The following is an entry in ClinVar:

NM_002519.3(NPAT):c.170A>G (p.Lys57Arg)

Gene: NPAT (nuclear protein, coactivator of histone transcription; minus strand). Cytogenetic location: 11q22.3.
Variant type: single nucleotide variant.
Coding change: c.170A>G on transcript NM_002519.3 (MANE Select); coding-DNA position 170, A replaced by G.
Protein change: p.Lys57Arg; replaces lysine 57 with arginine.
Molecular consequence: missense variant.
Genome position (GRCh38, 1-based): chr11:108,194,004, T>C on the plus strand (A>G on the coding strand, the complement: NPAT is on the minus strand). VCF-style: chr11-108194004-T-C. GRCh37 (hg19) VCF-style: chr11-108064731-T-C.
Other names: c.170A>G, p.Lys57Arg (NM_001321307.1); short protein forms K57R.
Identifiers: ClinVar variation 723933 (VCV000723933.13), dbSNP rs372699832, ClinGen allele CA6264399.

ClinVar aggregate classification (germline): Conflicting classifications of pathogenicity. Review status: criteria provided, conflicting classifications (1 of 4 stars). 4 submissions from 4 submitters: Uncertain significance (1); Likely benign (2). 1 of the submissions does not count toward it. Last evaluated 2026-01-12.

Conditions:
NPAT-related disorder. Also called: NPAT-related condition.

Allele frequency attached by ClinVar (database versions not stated): gnomAD exomes 0.00015 and 0.00061; gnomAD 0.00041 and 0.00043; ExAC 0.00048; TOPMed 0.00061; 1000 Genomes Project 0.00080; 1000 Genomes Project 30x 0.00109; ESP Exome Variant Server 0.00009.
gnomAD v4.1: 278 of 1,548,352 alleles (0.018%); highest among the groups gnomAD compares: Admixed American, 0.43%; 1 homozygote.

Submissions (4):

Labcorp Genetics (formerly Invitae), Labcorp
Classification: Likely benign. Last evaluated: 2026-01-12. Review status: criteria provided, single submitter. Criteria: Invitae Variant Classification Sherloc (09022015). Collection method: clinical testing. Allele origin: germline.

Ambry Genetics
Classification: Uncertain significance. Last evaluated: 2022-09-26. Review status: criteria provided, single submitter. Criteria: Ambry Variant Classification Scheme 2023. Collection method: clinical testing. Allele origin: germline.
Comment: The p.K57R variant (also known as c.170A>G), located in coding exon 3 of the NPAT gene, results from an A to G substitution at nucleotide position 170. The lysine at codon 57 is replaced by arginine, an amino acid with highly similar properties. This amino acid position is conserved. In addition, this alteration is predicted to be tolerated by in silico analysis. Since supporting evidence is limited at this time, the clinical significance of this alteration remains unclear.

Breakthrough Genomics
Classification: Likely benign. Review status: criteria provided, single submitter. Criteria: ACMG Guidelines, 2015. Collection method: not provided. Allele origin: germline. Inheritance: Unknown mechanism. Affected: yes.

PreventionGenetics, part of Exact Sciences
Classification: Likely benign for NPAT-related condition. Last evaluated: 2023-01-10. Review status: no assertion criteria provided. Collection method: clinical testing. Allele origin: germline. Not counted in ClinVar's aggregate classification.
Comment: This variant is classified as likely benign based on ACMG/AMP sequence variant interpretation guidelines (Richards et al. 2015 PMID: 25741868, with internal and published modifications).